The following is an entry in ClinVar:

ClinVar aggregate classification (germline): Pathogenic (1 of 4 stars; one submission).

Submission:

Labcorp Genetics (formerly Invitae), Labcorp
Classification: Pathogenic. Last evaluated: 2023-11-24. Review status: criteria provided, single submitter. Criteria: Invitae Variant Classification Sherloc (09022015). Collection method: clinical testing. Allele origin: germline.
Comment: This sequence change creates a premature translational stop signal (p.Tyr246*) in the CDH23 gene. It is expected to result in an absent or disrupted protein product. Loss-of-function variants in CDH23 are known to be pathogenic (PMID: 11138009, 21940737). This variant is not present in population databases (gnomAD no frequency). This variant has not been reported in the literature in individuals affected with CDH23-related conditions. ClinVar contains an entry for this variant (Variation ID: 1381741). For these reasons, this variant has been classified as Pathogenic.

Literature cited by the submitters: PubMed 11138009; PubMed 21940737.

NM_022124.6(CDH23):c.738C>G (p.Tyr246Ter)

Gene: CDH23 (cadherin related 23; plus strand). Cytogenetic location: 10q22.1.
Variant type: single nucleotide variant.
Coding change: c.738C>G on transcript NM_022124.6 (MANE Select); coding-DNA position 738, C replaced by G.
Protein change: p.Tyr246Ter; replaces tyrosine 246 with a stop codon.
Molecular consequence: nonsense.
Genome position (GRCh38, 1-based): chr10:71,570,903, C>G. VCF-style: chr10-71570903-C-G. GRCh37 (hg19) VCF-style: chr10-73330660-C-G.
Other names: c.738C>G, p.Tyr246Ter (NM_001171930.2, NM_001171931.2, NM_001171932.2 and 1 more transcripts); short protein forms Y246*.
Identifiers: ClinVar variation 1381741 (VCV001381741.6), dbSNP rs745668474, ClinGen allele CA377113233.
Genomic context (GRCh38, chr10:71,570,903, plus strand): 5'-CACAGATGTCCAGGACATGGACCCCATCTTCATCAACCTGCCTTACAGCACCAACATCTA[C>G]GAGCATTCTCCTCCGGTAAGACTCCTGGCCCTTCCTTCTCAGAAGTCCCTTCTCAGAGGG-3'